The following is an entry in ClinVar:

NM_000254.3(MTR):c.2775+1G>T

Gene: MTR (5-methyltetrahydrofolate-homocysteine methyltransferase; plus strand). Cytogenetic location: 1q43.
Variant type: single nucleotide variant.
Coding change: c.2775+1G>T on transcript NM_000254.3 (MANE Select); the canonical splice donor site of the intron after coding-DNA position 2775, G replaced by T.
Molecular consequence: splice donor variant.
Genome position (GRCh38, 1-based): chr1:236,885,220, G>T. VCF-style: chr1-236885220-G-T. GRCh37 (hg19) VCF-style: chr1-237048520-G-T.
Other names: c.2622+1G>T (NM_001291939.1); c.2586+1G>T (NM_001410942.1); c.1554+1G>T (NM_001291940.2).
Identifiers: ClinVar variation 2709054 (VCV002709054.3), dbSNP rs2528436693, ClinGen allele CA345384724.

ClinVar aggregate classification (germline): Likely pathogenic (1 of 4 stars; one submission).

Conditions:
Methylcobalamin deficiency type cblG (HMAG). Also called: HOMOCYSTINURIA-MEGALOBLASTIC ANEMIA, cblG COMPLEMENTATION TYPE; Functional methionine synthase deficiency type cblG; HOMOCYSTINURIA-MEGALOBLASTIC ANEMIA, cblG TYPE; HOMOCYSTINURIA-MEGALOBLASTIC ANEMIA DUE TO DEFECT IN COBALAMIN METABOLISM, cblG COMPLEMENTATION TYPE. Identifiers: Orphanet 2170, Orphanet 622, MedGen C1855128, MONDO:0009609, OMIM 250940.

Submission:

Labcorp Genetics (formerly Invitae), Labcorp
Classification: Likely pathogenic for Methylcobalamin deficiency type cblG. Last evaluated: 2024-01-16. Review status: criteria provided, single submitter. Criteria: Invitae Variant Classification Sherloc (09022015). Collection method: clinical testing. Allele origin: germline.
Comment: This sequence change affects a donor splice site in intron 26 of the MTR gene. It is expected to disrupt RNA splicing. Variants that disrupt the donor or acceptor splice site typically lead to a loss of protein function (PMID: 16199547), and loss-of-function variants in MTR are known to be pathogenic (PMID: 9683607, 12068375). This variant is not present in population databases (gnomAD no frequency). This variant has not been reported in the literature in individuals affected with MTR-related conditions. Algorithms developed to predict the effect of sequence changes on RNA splicing suggest that this variant may disrupt the consensus splice site. In summary, the currently available evidence indicates that the variant is pathogenic, but additional data are needed to prove that conclusively. Therefore, this variant has been classified as Likely Pathogenic.

Literature cited by the submitters: PubMed 16199547; PubMed 9683607; PubMed 12068375.